The following is an entry in ClinVar:

NM_001267550.2(TTN):c.2425C>T (p.Pro809Ser)

Gene: TTN (titin; minus strand). Cytogenetic location: 2q31.2.
Variant type: single nucleotide variant.
Coding change: c.2425C>T on transcript NM_001267550.2 (MANE Select); coding-DNA position 2425, C replaced by T.
Protein change: p.Pro809Ser; replaces proline 809 with serine.
Molecular consequence: missense variant.
Genome position (GRCh38, 1-based): chr2:178,785,688, G>A on the plus strand (C>T on the coding strand, the complement: TTN is on the minus strand). VCF-style: chr2-178785688-G-A. GRCh37 (hg19) VCF-style: chr2-179650415-G-A.
Other names: c.2425C>T, p.Pro809Ser (NM_001256850.1, NM_133378.4, NM_133379.5); c.2287C>T, p.Pro763Ser (NM_003319.4, NM_133432.3, NM_133437.4); short protein forms P763S, P809S.
Identifiers: ClinVar variation 2438196 (VCV002438196.5), dbSNP rs775097194, ClinGen allele CA2005830.
Genomic context (GRCh38, chr2:178,785,688, plus strand): 5'-CATGTTCTGTCTTAGGAACAGAAATTTTTGAAACAGTAAAGTGAGGGCTAGCTGTGCGGG[G>A]GCGTTTATCCACATGGACTAATCTTTCCGTTGTTAGATCTGTAGTTTTCTTGATCTGCAT-3'
Protein context (NP_001254479.2, residues 799-819): TERLVHVDKR[Pro809Ser]RTASPHFTVS

ClinVar aggregate classification (germline): Uncertain significance. Review status: criteria provided, multiple submitters, no conflicts (2 of 4 stars). 3 submissions from 3 submitters: Uncertain significance (3). Last evaluated 2025-01-23.

Conditions:
TTN-related disorder. Also called: TTN-related condition; TTN-related disease; TTN-related disorders.

Allele frequency attached by ClinVar (database versions not stated): gnomAD exomes below 0.00001; gnomAD 0.00001; ExAC 0.00002.
gnomAD v4.1: 4 of 1,613,950 alleles (0.00025%); highest among the groups gnomAD compares: East Asian, 0.0022%; no homozygotes.

Submissions (3):

GeneDx
Classification: Uncertain significance. Last evaluated: 2025-01-23. Review status: criteria provided, single submitter. Criteria: GeneDx Variant Classification Process June 2021. Collection method: clinical testing. Allele origin: germline. Affected: yes.
Comment: Not observed at significant frequency in large population cohorts (gnomAD); Missense variant in a gene in which most reported pathogenic variants are truncating/loss of function; Has not been previously published as pathogenic or benign to our knowledge

PreventionGenetics, part of Exact Sciences
Classification: Uncertain significance for TTN-related condition. Last evaluated: 2023-05-22. Review status: criteria provided, single submitter. Criteria: ACMG Guidelines, 2015. Collection method: clinical testing. Allele origin: germline.
Comment: The TTN c.2425C>T variant is predicted to result in the amino acid substitution p.Pro809Ser. To our knowledge, this variant has not been reported in the literature. This variant is reported in two out of ~251,000 alleles in gnomAD. At this time, the clinical significance of this variant is uncertain due to the absence of conclusive functional and genetic evidence.

Revvity Omics, Revvity
Classification: Uncertain significance. Last evaluated: 2022-11-09. Review status: criteria provided, single submitter. Criteria: ACMG Guidelines, 2015. Collection method: clinical testing. Allele origin: germline.